The following is an entry in ClinVar:

ClinVar aggregate classification (germline): Uncertain significance. Review status: criteria provided, single submitter (1 of 4 stars). 2 submissions from 2 submitters: Uncertain significance (1). 1 of the submissions does not count toward it. Last evaluated 2024-06-27.

Conditions:
EED-related disorder. Also called: EED-related condition.

Allele frequency attached by ClinVar (database versions not stated): gnomAD exomes below 0.00001.
gnomAD v4.1: 2 of 1,609,618 alleles (0.00012%); highest among the groups gnomAD compares: Non-Finnish European, 0.00017%; no homozygotes.

Submissions (2):

Blueprint Genetics
Classification: Uncertain significance. Last evaluated: 2024-06-27. Review status: criteria provided, single submitter. Criteria: ACMG Guidelines, 2015. Collection method: clinical testing. Allele origin: germline.

PreventionGenetics, part of Exact Sciences
Classification: Uncertain significance for EED-related condition. Last evaluated: 2023-12-19. Review status: no assertion criteria provided. Collection method: clinical testing. Allele origin: germline. Not counted in ClinVar's aggregate classification.
Comment: The EED c.557A>G variant is predicted to result in the amino acid substitution p.Tyr186Cys. To our knowledge, this variant has not been reported in the literature or in a large population database, indicating this variant is rare. At this time, the clinical significance of this variant is uncertain due to the absence of conclusive functional and genetic evidence.

NM_003797.5(EED):c.557A>G (p.Tyr186Cys)

Gene: EED (embryonic ectoderm development; plus strand). Cytogenetic location: 11q14.2.
Variant type: single nucleotide variant.
Coding change: c.557A>G on transcript NM_003797.5 (MANE Select); coding-DNA position 557, A replaced by G.
Protein change: p.Tyr186Cys; replaces tyrosine 186 with cysteine.
Molecular consequence: missense variant.
Genome position (GRCh38, 1-based): chr11:86,257,519, A>G. VCF-style: chr11-86257519-A-G. GRCh37 (hg19) VCF-style: chr11-85968561-A-G.
Other names: c.557A>G, p.Tyr186Cys (NM_001308007.2, NM_001330334.2); short protein forms Y186C.
Identifiers: ClinVar variation 3045352 (VCV003045352.3), dbSNP rs2495811356, ClinGen allele CA382004181.
Genomic context (GRCh38, chr11:86,257,519, plus strand): 5'-AAAAAAATTTACTGATTTTGAGATAGGAAACTTGAAATGTTTTAAATTTATTGTAGCACT[A>G]TGTTGGCCATGGAAATGCTATCAATGAGCTGAAATTCCATCCAAGAGATCCAAATCTTCT-3'
Protein context (NP_003788.2, residues 176-196): NPITMQCIKH[Tyr186Cys]VGHGNAINEL